The following is an entry in ClinVar:

ClinVar aggregate classification (germline): Conflicting classifications of pathogenicity. Review status: criteria provided, conflicting classifications (1 of 4 stars). 3 submissions from 3 submitters: Uncertain significance (2); Likely benign (1). Last evaluated 2026-03-31.

Conditions:
MYBPC3-related disorder. Also called: MYBPC3-related disorders; MYBPC3-related condition; MYBPC3-related disease.
Hypertrophic cardiomyopathy. Also called: HYPERTROPHIC MYOCARDIOPATHY. Identifiers: Orphanet 217569, MedGen C0007194, MeSH D002312, MONDO:0005045, HP:0001639.
Cardiovascular phenotype. Identifiers: MedGen CN230736.

Allele frequency attached by ClinVar (database versions not stated): gnomAD exomes 0.00002 and 0.00006; TOPMed below 0.00001; gnomAD 0.00001.
gnomAD v4.1: 13 of 1,554,242 alleles (0.00084%); highest among the groups gnomAD compares: Admixed American, 0.023%; no homozygotes.

Submissions (3):

PreventionGenetics, part of Exact Sciences
Classification: Uncertain significance for MYBPC3-related condition. Last evaluated: 2026-03-31. Review status: criteria provided, single submitter. Criteria: ACMG Guidelines, 2015. Collection method: clinical testing. Allele origin: germline.
Comment: The MYBPC3 c.412A>G variant is predicted to result in the amino acid substitution p.Ser138Gly. To our knowledge, this variant has not been reported in the literature. This variant is reported in 0.040% of alleles in individuals of Latino descent in gnomAD. At this time, the clinical significance of this variant is uncertain due to the absence of conclusive functional and genetic evidence.

Labcorp Genetics (formerly Invitae), Labcorp
Classification: Uncertain significance for Hypertrophic cardiomyopathy. Last evaluated: 2026-02-03. Review status: criteria provided, single submitter. Criteria: Invitae Variant Classification Sherloc (09022015). Collection method: clinical testing. Allele origin: germline.
Comment: This sequence change replaces serine, which is neutral and polar, with glycine, which is neutral and non-polar, at codon 138 of the MYBPC3 protein (p.Ser138Gly). This variant is present in population databases (rs776154213, gnomAD 0.04%), and has an allele count higher than expected for a pathogenic variant. This variant has not been reported in the literature in individuals affected with MYBPC3-related conditions. ClinVar contains an entry for this variant (Variation ID: 1051853). An algorithm developed to predict the effect of missense changes on protein structure and function outputs the following: PolyPhen-2: "Benign". The glycine amino acid residue is found in multiple mammalian species, which suggests that this missense change does not adversely affect protein function. Algorithms developed to predict the effect of sequence changes on RNA splicing suggest that this variant may disrupt the consensus splice site. In summary, the available evidence is currently insufficient to determine the role of this variant in disease. Therefore, it has been classified as a Variant of Uncertain Significance.

Ambry Genetics
Classification: Likely benign for Cardiovascular phenotype. Last evaluated: 2021-09-30. Review status: criteria provided, single submitter. Criteria: Ambry Variant Classification Scheme 2023. Collection method: clinical testing. Allele origin: germline.

NM_000256.3(MYBPC3):c.412A>G (p.Ser138Gly)

Gene: MYBPC3 (myosin binding protein C3; minus strand). Cytogenetic location: 11p11.2.
Variant type: single nucleotide variant.
Coding change: c.412A>G on transcript NM_000256.3 (MANE Select); coding-DNA position 412, A replaced by G.
Protein change: p.Ser138Gly; replaces serine 138 with glycine.
Molecular consequence: missense variant.
Genome position (GRCh38, 1-based): chr11:47,350,107, T>C on the plus strand (A>G on the coding strand, the complement: MYBPC3 is on the minus strand). VCF-style: chr11-47350107-T-C. GRCh37 (hg19) VCF-style: chr11-47371658-T-C.
Other names: short protein forms S138G.
Identifiers: ClinVar variation 1051853 (VCV001051853.11), dbSNP rs776154213, ClinGen allele CA055350.